The following is an entry in ClinVar:

ClinVar aggregate classification (germline): Conflicting classifications of pathogenicity. Review status: criteria provided, conflicting classifications (1 of 4 stars). 4 submissions from 4 submitters: Uncertain significance (3); Likely benign (1). Last evaluated 2025-05-13.

Conditions:
RYR1-related disorder. Also called: RYR1-related disorders; RYR1-related condition. Identifiers: MedGen CN239331.
Inborn genetic diseases. Identifiers: MedGen C0950123, MeSH D030342.
Malignant hyperthermia, susceptibility to, 1 (MHS1). Also called: RYR1-Related Malignant Hyperthermia Susceptibility; Anesthesia related hyperthermia; Malignant hyperpyrexia; Fulminating hyperpyrexia; Pharmacogenic myopathy; Malignant hyperthermia suceptibility 1. Identifiers: Orphanet 423, MedGen C2930980, MONDO:0007783, OMIM 145600.

gnomAD v4.1: 3 of 1,613,588 alleles (0.00019%); highest among the groups gnomAD compares: Non-Finnish European, 0.00025%; no homozygotes.

Submissions (4):

Color Diagnostics, LLC DBA Color Health
Classification: Likely benign for Malignant hyperthermia, susceptibility to, 1. Last evaluated: 2025-05-13. Review status: criteria provided, single submitter. Criteria: ACMG Guidelines, 2015. Collection method: clinical testing. Allele origin: germline.

GeneDx
Classification: Uncertain significance. Last evaluated: 2025-03-31. Review status: criteria provided, single submitter. Criteria: GeneDx Variant Classification Process June 2021. Collection method: clinical testing. Allele origin: germline. Affected: yes.
Comment: Not observed at significant frequency in large population cohorts (gnomAD); In silico analysis supports that this missense variant has a deleterious effect on protein structure/function; Has not been previously published as pathogenic or benign to our knowledge

Labcorp Genetics (formerly Invitae), Labcorp
Classification: Uncertain significance for RYR1-related disorder. Last evaluated: 2024-10-16. Review status: criteria provided, single submitter. Criteria: Invitae Variant Classification Sherloc (09022015). Collection method: clinical testing. Allele origin: germline.
Comment: This sequence change replaces arginine, which is basic and polar, with histidine, which is basic and polar, at codon 1727 of the RYR1 protein (p.Arg1727His). This variant is present in population databases (rs774500412, gnomAD 0.006%). This variant has not been reported in the literature in individuals affected with RYR1-related conditions. Invitae Evidence Modeling of protein sequence and biophysical properties (such as structural, functional, and spatial information, amino acid conservation, physicochemical variation, residue mobility, and thermodynamic stability) indicates that this missense variant is not expected to disrupt RYR1 protein function with a negative predictive value of 80%. In summary, the available evidence is currently insufficient to determine the role of this variant in disease. Therefore, it has been classified as a Variant of Uncertain Significance.

Ambry Genetics
Classification: Uncertain significance for Inborn genetic diseases. Last evaluated: 2024-06-07. Review status: criteria provided, single submitter. Criteria: Ambry Variant Classification Scheme 2023. Collection method: clinical testing. Allele origin: germline.

NM_000540.3(RYR1):c.5180G>A (p.Arg1727His)

Gene: RYR1 (ryanodine receptor 1; plus strand). Cytogenetic location: 19q13.2.
Variant type: single nucleotide variant.
Coding change: c.5180G>A on transcript NM_000540.3 (MANE Select); coding-DNA position 5180, G replaced by A.
Protein change: p.Arg1727His; replaces arginine 1727 with histidine.
Molecular consequence: missense variant.
Genome position (GRCh38, 1-based): chr19:38,485,835, G>A. VCF-style: chr19-38485835-G-A. GRCh37 (hg19) VCF-style: chr19-38976475-G-A.
Other names: c.5180G>A, p.Arg1727His (NM_001042723.2); short protein forms R1727H.
Identifiers: ClinVar variation 3315863 (VCV003315863.5).